The following is an entry in ClinVar:

NM_004415.4(DSP):c.4593G>C (p.Gln1531His)

Gene: DSP (desmoplakin; plus strand). Cytogenetic location: 6p24.3.
Variant type: single nucleotide variant.
Coding change: c.4593G>C on transcript NM_004415.4 (MANE Select); coding-DNA position 4593, G replaced by C.
Protein change: p.Gln1531His; replaces glutamine 1531 with histidine.
Molecular consequence: missense variant. On other transcripts: intron variant (2).
Genome position (GRCh38, 1-based): chr6:7,580,783, G>C. VCF-style: chr6-7580783-G-C. GRCh37 (hg19) VCF-style: chr6-7581016-G-C.
Other names: c.4050+543G>C (NM_001319034.2); c.3582+1011G>C (NM_001008844.3); short protein forms Q1531H.
Identifiers: ClinVar variation 2174663 (VCV002174663.4), dbSNP rs1451337621, ClinGen allele CA362686675.

ClinVar aggregate classification (germline): Uncertain significance (1 of 4 stars; one submission).

Conditions:
Arrhythmogenic cardiomyopathy with wooly hair and keratoderma. Also called: Dilated cardiomyopathy with woolly hair and keratoderma; Carvajal syndrome; PALMOPLANTAR KERATODERMA WITH LEFT VENTRICULAR CARDIOMYOPATHY AND WOOLLY HAIR; Arrhythmogenic cardiomyopathy with woolly hair and keratoderma. Identifiers: Orphanet 65282, MedGen C1854063, MONDO:0011581, OMIM 605676.
Arrhythmogenic right ventricular dysplasia 8 (ARVD8). Also called: Arrhythmogenic Right Ventricular Dysplasia/Cardiomyopathy 8; ARRHYTHMOGENIC RIGHT VENTRICULAR DYSPLASIA, FAMILIAL, 8; ARRHYTHMOGENIC RIGHT VENTRICULAR CARDIOMYOPATHY 8. Identifiers: MedGen C1843896, MONDO:0011831, OMIM 607450.

gnomAD v4.1: 2 of 1,614,170 alleles (0.00012%); highest among the groups gnomAD compares: Admixed American, 0.0033%; no homozygotes.

Submission:

Labcorp Genetics (formerly Invitae), Labcorp
Classification: Uncertain significance for Arrhythmogenic cardiomyopathy with wooly hair and keratoderma; Arrhythmogenic right ventricular dysplasia 8. Last evaluated: 2022-05-19. Review status: criteria provided, single submitter. Criteria: Invitae Variant Classification Sherloc (09022015). Collection method: clinical testing. Allele origin: germline.
Comment: This variant is not present in population databases (gnomAD no frequency). Algorithms developed to predict the effect of missense changes on protein structure and function output the following: SIFT: "Tolerated"; PolyPhen-2: "Benign"; Align-GVGD: "Class C0". The histidine amino acid residue is found in multiple mammalian species, which suggests that this missense change does not adversely affect protein function. This variant has not been reported in the literature in individuals affected with DSP-related conditions. This sequence change replaces glutamine, which is neutral and polar, with histidine, which is basic and polar, at codon 1531 of the DSP protein (p.Gln1531His). In summary, the available evidence is currently insufficient to determine the role of this variant in disease. Therefore, it has been classified as a Variant of Uncertain Significance.